The following is an entry in ClinVar:

ClinVar aggregate classification (germline): Conflicting classifications of pathogenicity. Review status: criteria provided, conflicting classifications (1 of 4 stars). 3 submissions from 3 submitters: Uncertain significance (2); Likely benign (1). Last evaluated 2025-12-29.

Conditions:
Lethal congenital glycogen storage disease of heart. Also called: GLYCOGEN STORAGE DISEASE OF HEART; PHOSPHORYLASE KINASE DEFICIENCY OF HEART. Identifiers: Orphanet 439854, MedGen C1849813, MONDO:0009867, OMIM 261740.
Cardiovascular phenotype. Identifiers: MedGen CN230736.
Cardiomyopathy (CMYO). Also called: Cardiomyopathies. Identifiers: Orphanet 167848, MedGen C0878544, MONDO:0004994, HP:0001638. Inheritance: Various modes of inheritance.

Allele frequency attached by ClinVar (database versions not stated): gnomAD exomes below 0.00001 and 0.00002; ExAC 0.00001.
gnomAD v4.1: 1 of 1,613,944 alleles (0.000062%); highest among the groups gnomAD compares: East Asian, 0.0022%; no homozygotes.

Submissions (3):

Labcorp Genetics (formerly Invitae), Labcorp
Classification: Likely benign for Lethal congenital glycogen storage disease of heart. Last evaluated: 2025-12-29. Review status: criteria provided, single submitter. Criteria: Invitae Variant Classification Sherloc (09022015). Collection method: clinical testing. Allele origin: germline.

Ambry Genetics
Classification: Uncertain significance for Cardiovascular phenotype. Last evaluated: 2024-01-04. Review status: criteria provided, single submitter. Criteria: Ambry Variant Classification Scheme 2023. Collection method: clinical testing. Allele origin: germline.

Color Diagnostics, LLC DBA Color Health
Classification: Uncertain significance for Cardiomyopathy. Last evaluated: 2023-12-05. Review status: criteria provided, single submitter. Criteria: ACMG Guidelines, 2015. Collection method: clinical testing. Allele origin: germline.
Comment: Variant of Uncertain Significance due to insufficient evidence: This missense variant is located in the nucleotide -binding CBS domain 3 of the PRKAG2 protein. Computational prediction tools and conservation analyses are inconclusive regarding the impact of this variant on the protein function. Computational splicing tools suggest that this variant may not impact RNA splicing. To our knowledge, functional assays have not been performed for this variant nor has this variant been reported in individuals affected with cardiovascular disorders in the literature. This variant has been identified in 4/246246 chromosomes in the general population by the Genome Aggregation Database (gnomAD). Available evidence is insufficient to determine the pathogenicity of this variant conclusively.

NM_016203.4(PRKAG2):c.1364G>A (p.Arg455Lys)

Gene: PRKAG2 (protein kinase AMP-activated non-catalytic subunit gamma 2; minus strand). Cytogenetic location: 7q36.1.
Variant type: single nucleotide variant.
Coding change: c.1364G>A on transcript NM_016203.4 (MANE Select); coding-DNA position 1364, G replaced by A.
Protein change: p.Arg455Lys; replaces arginine 455 with lysine.
Molecular consequence: missense variant.
Genome position (GRCh38, 1-based): chr7:151,565,755, C>T on the plus strand (G>A on the coding strand, the complement: PRKAG2 is on the minus strand). VCF-style: chr7-151565755-C-T. GRCh37 (hg19) VCF-style: chr7-151262841-C-T.
Other names: c.1232G>A, p.Arg411Lys (NM_001040633.2); c.989G>A, p.Arg330Lys (NM_001304527.2); c.641G>A, p.Arg214Lys (NM_001304531.2, NM_024429.2); c.992G>A, p.Arg331Lys (NM_001363698.2); c.1364G>A (NM_016203.3); short protein forms R411K, R455K, R330K, R331K, R214K.
Identifiers: ClinVar variation 922033 (VCV000922033.7), dbSNP rs747840565, ClinGen allele CA054874.